The following is an entry in ClinVar:

ClinVar aggregate classification (germline): Benign/Likely benign. Review status: criteria provided, multiple submitters, no conflicts (2 of 4 stars). 5 submissions from 5 submitters: Benign (1); Likely benign (4). Last evaluated 2026-01-25.

Conditions:
Primary ciliary dyskinesia. Also called: Ciliary dyskinesia. Identifiers: Orphanet 244, MedGen C0008780, MONDO:0016575, HP:0012265.

Allele frequency attached by ClinVar (database versions not stated): 1000 Genomes Project 30x 0.00031; TOPMed 0.00039; 1000 Genomes Project 0.00040; ESP Exome Variant Server 0.00054; gnomAD exomes 0.00070 and 0.00123; gnomAD 0.00103 and 0.00105; ExAC 0.00106.
gnomAD v4.1: 1,164 of 1,613,242 alleles (0.072%); highest among the groups gnomAD compares: East Asian, 0.054%; 7 homozygotes.

Submissions (5):

Labcorp Genetics (formerly Invitae), Labcorp
Classification: Benign for Primary ciliary dyskinesia. Last evaluated: 2026-01-25. Review status: criteria provided, single submitter. Criteria: Invitae Variant Classification Sherloc (09022015). Collection method: clinical testing. Allele origin: germline.

CeGaT Center for Human Genetics Tuebingen
Classification: Likely benign. Last evaluated: 2025-07-01. Review status: criteria provided, single submitter. Criteria: CeGaT Center For Human Genetics Tuebingen Variant Classification Criteria Version 2. Collection method: clinical testing. Allele origin: germline. Affected: yes. Observed: 1 variant allele.
Comment: ODAD1: BP4, BP7

Blueprint Genetics
Classification: Likely benign. Last evaluated: 2024-11-25. Review status: criteria provided, single submitter. Criteria: ACMG Guidelines, 2015. Collection method: clinical testing. Allele origin: germline.

Ambry Genetics
Classification: Likely benign for Primary ciliary dyskinesia. Last evaluated: 2019-01-05. Review status: criteria provided, single submitter. Criteria: Ambry Variant Classification Scheme 2023. Collection method: clinical testing. Allele origin: germline.

PreventionGenetics, part of Exact Sciences
Classification: Likely benign. Review status: criteria provided, single submitter. Criteria: ACMG Guidelines, 2015. Collection method: clinical testing. Allele origin: germline.

NM_001364171.2(ODAD1):c.1425C>T (p.Asp475=)

Gene: ODAD1 (outer dynein arm docking complex subunit 1; minus strand). Cytogenetic location: 19q13.33.
Variant type: single nucleotide variant.
Coding change: c.1425C>T on transcript NM_001364171.2 (MANE Select); coding-DNA position 1425, C replaced by T.
Protein change: p.Asp475=; no amino-acid change (aspartic acid 475 retained).
Molecular consequence: synonymous variant.
Genome position (GRCh38, 1-based): chr19:48,298,077, G>A on the plus strand (C>T on the coding strand, the complement: ODAD1 is on the minus strand). VCF-style: chr19-48298077-G-A. GRCh37 (hg19) VCF-style: chr19-48801334-G-A.
Other names: c.1314C>T, p.Asp438= (NM_144577.4).
Identifiers: ClinVar variation 241869 (VCV000241869.23), dbSNP rs150259992, ClinGen allele CA9548695.